The following is an entry in ClinVar:

ClinVar aggregate classification (germline): Likely pathogenic. Review status: criteria provided, single submitter (1 of 4 stars). 2 submissions from 2 submitters: Likely pathogenic (1). 1 of the submissions does not count toward it. Last evaluated 2025-08-22.

Conditions:
Alport syndrome. Also called: Hemorrhagic familial nephritis; Hemorrhagic hereditary nephritis; Congenital hereditary hematuria. Identifiers: Orphanet 63, MedGen C1567741, MONDO:0018965.

Allele frequency attached by ClinVar (database versions not stated): gnomAD exomes below 0.00001.
gnomAD v4.1: 1 of 1,613,730 alleles (0.000062%); highest among the groups gnomAD compares: Non-Finnish European, 0.000085%; no homozygotes.

Submissions (2):

Natera, Inc.
Classification: Likely pathogenic for Alport syndrome. Last evaluated: 2025-08-22. Review status: criteria provided, single submitter. Criteria: Natera Variant Classification Schema (03/2026). Collection method: clinical testing. Allele origin: germline.
Comment: The c.1087G>A variant in COL4A3 is a missense variant predicted to cause substitution of glycine to arginine at amino acid 363. This variant is rare in the general population with a frequency below the threshold expected for the associated phenotype(s). This variant is located in a functionally critical region of the protein. Computational prediction algorithms indicate this variant is likely to affect gene or protein function. Given the available evidence, this variant is classified as Likely Pathogenic.

Gharavi Laboratory, Columbia University
Classification: Likely pathogenic. Last evaluated: 2018-09-16. Review status: no assertion criteria provided. Criteria: ACMG Guidelines, 2015. Collection method: research. Allele origin: germline. Affected: yes. Not counted in ClinVar's aggregate classification.

NM_000091.5(COL4A3):c.1087G>A (p.Gly363Arg)

Genes: COL4A3 (collagen type IV alpha 3 chain; plus strand), MFF-DT (MFF divergent transcript; minus strand). Cytogenetic location: 2q36.3.
Variant type: single nucleotide variant.
Coding change: c.1087G>A on transcript NM_000091.5 (MANE Select); coding-DNA position 1087, G replaced by A.
Protein change: p.Gly363Arg; replaces glycine 363 with arginine.
Molecular consequence: missense variant.
Genome position (GRCh38, 1-based): chr2:227,259,850, G>A. VCF-style: chr2-227259850-G-A. GRCh37 (hg19) VCF-style: chr2-228124566-G-A.
Other names: c.1087G>A (NM_000091.4); short protein forms G363R.
Identifiers: ClinVar variation 562452 (VCV000562452.2), dbSNP rs1559875465, ClinGen allele CA350868389.